The following is an entry in ClinVar:

ClinVar aggregate classification (germline): Uncertain significance. Review status: criteria provided, multiple submitters, no conflicts (2 of 4 stars). 3 submissions from 3 submitters: Uncertain significance (3). Last evaluated 2025-10-23.

Conditions:
Inborn genetic diseases. Identifiers: MedGen C0950123, MeSH D030342.

Allele frequency attached by ClinVar (database versions not stated): gnomAD exomes 0.00001; gnomAD 0.00001; TOPMed 0.00003.
gnomAD v4.1: 21 of 1,596,354 alleles (0.0013%); highest among the groups gnomAD compares: Non-Finnish European, 0.0014%; no homozygotes.

Submissions (3):

Ambry Genetics
Classification: Uncertain significance for Inborn genetic diseases. Last evaluated: 2025-10-23. Review status: criteria provided, single submitter. Criteria: Ambry Variant Classification Scheme 2023. Collection method: clinical testing. Allele origin: germline.

Labcorp Genetics (formerly Invitae), Labcorp
Classification: Uncertain significance. Last evaluated: 2023-04-18. Review status: criteria provided, single submitter. Criteria: Invitae Variant Classification Sherloc (09022015). Collection method: clinical testing. Allele origin: germline.
Comment: In summary, the available evidence is currently insufficient to determine the role of this variant in disease. Therefore, it has been classified as a Variant of Uncertain Significance. An algorithm developed to predict the effect of missense changes on protein structure and function (PolyPhen-2) suggests that this variant is likely to be disruptive. ClinVar contains an entry for this variant (Variation ID: 1450694). This variant has not been reported in the literature in individuals affected with SPEG-related conditions. This variant is present in population databases (no rsID available, gnomAD 0.003%). This sequence change replaces arginine, which is basic and polar, with cysteine, which is neutral and slightly polar, at codon 3248 of the SPEG protein (p.Arg3248Cys).

GeneDx
Classification: Uncertain significance. Last evaluated: 2023-03-30. Review status: criteria provided, single submitter. Criteria: GeneDx Variant Classification Process June 2021. Collection method: clinical testing. Allele origin: germline. Affected: yes.
Comment: In silico analysis supports that this missense variant has a deleterious effect on protein structure/function; Has not been previously published as pathogenic or benign to our knowledge

NM_005876.5(SPEG):c.9742C>T (p.Arg3248Cys)

Genes: ASIC4-AS1 (ASIC4 antisense RNA 1; minus strand), SPEG (striated muscle enriched protein kinase; plus strand). Cytogenetic location: 2q35.
Variant type: single nucleotide variant.
Coding change: c.9742C>T on transcript NM_005876.5 (MANE Select); coding-DNA position 9742, C replaced by T.
Protein change: p.Arg3248Cys; replaces arginine 3248 with cysteine.
Molecular consequence: missense variant.
Genome position (GRCh38, 1-based): chr2:219,492,724, C>T. VCF-style: chr2-219492724-C-T. GRCh37 (hg19) VCF-style: chr2-220357446-C-T.
Other names: c.9742C>T (NM_005876.4); short protein forms R3248C.
Identifiers: ClinVar variation 1450694 (VCV001450694.7), dbSNP rs1357626784, ClinGen allele CA350720020.